The following is an entry in ClinVar:

NM_006218.4(PIK3CA):c.928C>T (p.Arg310Cys)

Gene: PIK3CA (phosphatidylinositol-4,5-bisphosphate 3-kinase catalytic subunit alpha; plus strand). Cytogenetic location: 3q26.32.
Variant type: single nucleotide variant.
Coding change: c.928C>T on transcript NM_006218.4 (MANE Select); coding-DNA position 928, C replaced by T.
Protein change: p.Arg310Cys; replaces arginine 310 with cysteine.
Molecular consequence: missense variant.
Genome position (GRCh38, 1-based): chr3:179,203,658, C>T. VCF-style: chr3-179203658-C-T. GRCh37 (hg19) VCF-style: chr3-178921446-C-T.
Other names: short protein forms R310C.
Identifiers: ClinVar variation 1465786 (VCV001465786.6), dbSNP rs780572147, ClinGen allele CA2710609.
Genomic context (GRCh38, chr3:179,203,658, plus strand): 5'-AAAGAAAGCCTTTATTCTCAACTGCCAATGGACTGTTTTACAATGCCATCTTATTCCAGA[C>T]GCATTTCCACAGCTACACCATATATGAATGGAGAAACATCTACAAAATCCCTTTGGGTTA-3'
Protein context (NP_006209.2, residues 300-320): DCFTMPSYSR[Arg310Cys]ISTATPYMNG

ClinVar aggregate classification (germline): Uncertain significance (1 of 4 stars; one submission).

Conditions:
Cowden syndrome (CS). Also called: Cowden's disease; Cowden's syndrome; Cowden disease. Identifiers: Orphanet 201, MedGen C0018553, MONDO:0016063. Disease mechanism: gain of function.

Allele frequency attached by ClinVar (database versions not stated): gnomAD exomes below 0.00001; ExAC 0.00001; gnomAD 0.00001.
gnomAD v4.1: 5 of 1,613,788 alleles (0.00031%); highest among the groups gnomAD compares: Admixed American, 0.0017%; no homozygotes.

Submission:

Labcorp Genetics (formerly Invitae), Labcorp
Classification: Uncertain significance for Cowden syndrome. Last evaluated: 2025-01-30. Review status: criteria provided, single submitter. Criteria: Invitae Variant Classification Sherloc (09022015). Collection method: clinical testing. Allele origin: germline.
Comment: This sequence change replaces arginine, which is basic and polar, with cysteine, which is neutral and slightly polar, at codon 310 of the PIK3CA protein (p.Arg310Cys). This variant is present in population databases (rs780572147, gnomAD 0.003%). This variant has not been reported in the literature in individuals affected with PIK3CA-related conditions. ClinVar contains an entry for this variant (Variation ID: 1465786). Invitae Evidence Modeling of protein sequence and biophysical properties (such as structural, functional, and spatial information, amino acid conservation, physicochemical variation, residue mobility, and thermodynamic stability) indicates that this missense variant is expected to disrupt PIK3CA protein function with a positive predictive value of 95%. Algorithms developed to predict the effect of sequence changes on RNA splicing suggest that this variant may disrupt the consensus splice site. In summary, the available evidence is currently insufficient to determine the role of this variant in disease. Therefore, it has been classified as a Variant of Uncertain Significance.